The following is an entry in ClinVar:

ClinVar aggregate classification (germline): Uncertain significance (1 of 4 stars; one submission).

Conditions:
Inborn genetic diseases. Identifiers: MedGen C0950123, MeSH D030342.

Allele frequency attached by ClinVar (database versions not stated): gnomAD exomes below 0.00001; gnomAD 0.00001; TOPMed 0.00001.
gnomAD v4.1: 2 of 1,613,530 alleles (0.00012%); highest among the groups gnomAD compares: African/African-American, 0.0027%; no homozygotes.

Submission:

Ambry Genetics
Classification: Uncertain significance for Inborn genetic diseases. Last evaluated: 2023-07-13. Review status: criteria provided, single submitter. Criteria: Ambry Variant Classification Scheme 2023. Collection method: clinical testing. Allele origin: germline.
Comment: The p.K829E variant (also known as c.2485A>G), located in coding exon 11 of the ATR gene, results from an A to G substitution at nucleotide position 2485. The lysine at codon 829 is replaced by glutamic acid, an amino acid with similar properties. This amino acid position is conserved. In addition, this alteration is predicted to be tolerated by in silico analysis. Since supporting evidence is limited at this time, the clinical significance of this alteration remains unclear.

NM_001184.4(ATR):c.2485A>G (p.Lys829Glu)

Gene: ATR (ATR checkpoint kinase; minus strand). Cytogenetic location: 3q23.
Variant type: single nucleotide variant.
Coding change: c.2485A>G on transcript NM_001184.4 (MANE Select); coding-DNA position 2485, A replaced by G.
Protein change: p.Lys829Glu; replaces lysine 829 with glutamic acid.
Molecular consequence: missense variant.
Genome position (GRCh38, 1-based): chr3:142,553,872, T>C on the plus strand (A>G on the coding strand, the complement: ATR is on the minus strand). VCF-style: chr3-142553872-T-C. GRCh37 (hg19) VCF-style: chr3-142272714-T-C.
Other names: c.2293A>G, p.Lys765Glu (NM_001354579.2); short protein forms K765E, K829E.
Identifiers: ClinVar variation 2587566 (VCV002587566.2), dbSNP rs1661026633, ClinGen allele CA354816456.